The following is an entry in ClinVar:

ClinVar aggregate classification (germline): Likely benign. Review status: criteria provided, multiple submitters, no conflicts (2 of 4 stars). 3 submissions from 3 submitters: Likely benign (3). Last evaluated 2024-10-07.

Conditions:
Hereditary cancer-predisposing syndrome. Also called: Neoplastic Syndromes, Hereditary; Tumor predisposition; Hereditary Cancer Syndrome; Hereditary neoplastic syndrome. Identifiers: Orphanet 140162, MedGen C0027672, MeSH D009386, MONDO:0015356.
Familial cancer of breast. Also called: Hereditary breast cancer; BREAST CANCER, FAMILIAL; hereditary breast carcinoma. Identifiers: Orphanet 227535, MedGen C0346153, MONDO:0016419, OMIM 114480. Disease mechanism: loss of function.

Submissions (3):

Myriad Genetics, Inc.
Classification: Likely benign for Familial cancer of breast. Last evaluated: 2024-10-07. Review status: criteria provided, single submitter. Criteria: Myriad Autosomal Dominant, Autosomal Recessive and X-Linked Classification Criteria (2023). Collection method: clinical testing. Allele origin: unknown.
Comment: This variant is considered likely benign. This variant is intronic and is not expected to impact mRNA splicing.

Labcorp Genetics (formerly Invitae), Labcorp
Classification: Likely benign for Familial cancer of breast. Last evaluated: 2024-02-06. Review status: criteria provided, single submitter. Criteria: Invitae Variant Classification Sherloc (09022015). Collection method: clinical testing. Allele origin: germline.

Color Diagnostics, LLC DBA Color Health
Classification: Likely benign for Hereditary cancer-predisposing syndrome. Last evaluated: 2022-11-21. Review status: criteria provided, single submitter. Criteria: ACMG Guidelines, 2015. Collection method: clinical testing. Allele origin: germline.

NM_007194.4(CHEK2):c.1260-12A>G

Gene: CHEK2 (checkpoint kinase 2; minus strand). Cytogenetic location: 22q12.1.
Variant type: single nucleotide variant.
Coding change: c.1260-12A>G on transcript NM_007194.4 (MANE Select); 12 bases into the intron before coding-DNA position 1260, A replaced by G.
Molecular consequence: intron variant.
Genome position (GRCh38, 1-based): chr22:28,695,254, T>C on the plus strand (A>G on the coding strand, the complement: CHEK2 is on the minus strand). VCF-style: chr22-28695254-T-C. GRCh37 (hg19) VCF-style: chr22-29091242-T-C.
Other names: c.597-12A>G (NM_001437942.1, NM_001257387.3); c.1059-12A>G (NM_001349956.3); c.1173-12A>G (NM_145862.3); c.1266-12A>G (NM_001438295.1); c.1353-12A>G (NM_001438293.1); c.1302-12A>G (NM_001438294.1); c.1389-12A>G (NM_001005735.3).
Identifiers: ClinVar variation 2775065 (VCV002775065.4), dbSNP rs2517799261, ClinGen allele CA2697552646.